The following is an entry in ClinVar:

NM_198578.4(LRRK2):c.2131G>T (p.Val711Leu)

Gene: LRRK2 (leucine rich repeat kinase 2; plus strand). Cytogenetic location: 12q12.
Variant type: single nucleotide variant.
Coding change: c.2131G>T on transcript NM_198578.4 (MANE Select); coding-DNA position 2131, G replaced by T.
Protein change: p.Val711Leu; replaces valine 711 with leucine.
Molecular consequence: missense variant.
Genome position (GRCh38, 1-based): chr12:40,278,151, G>T. VCF-style: chr12-40278151-G-T. GRCh37 (hg19) VCF-style: chr12-40671953-G-T.
Other names: short protein forms V711L.
Identifiers: ClinVar variation 1786418 (VCV001786418.2), dbSNP rs1223884010, ClinGen allele CA384405098.

ClinVar aggregate classification (germline): Uncertain significance (1 of 4 stars; one submission).

Conditions:
Inborn genetic diseases. Identifiers: MedGen C0950123, MeSH D030342.

Allele frequency attached by ClinVar (database versions not stated): gnomAD exomes below 0.00001; gnomAD 0.00001.
gnomAD v4.1: 4 of 1,613,992 alleles (0.00025%); highest among the groups gnomAD compares: African/African-American, 0.0013%; no homozygotes.

Submission:

Ambry Genetics
Classification: Uncertain significance for Inborn genetic diseases. Last evaluated: 2024-01-20. Review status: criteria provided, single submitter. Criteria: Ambry Variant Classification Scheme 2023. Collection method: clinical testing. Allele origin: germline.
Comment: The p.V711L variant (also known as c.2131G>T), located in coding exon 18 of the LRRK2 gene, results from a G to T substitution at nucleotide position 2131. The valine at codon 711 is replaced by leucine, an amino acid with highly similar properties. This amino acid position is conserved. In addition, this alteration is predicted to be tolerated by in silico analysis. Since supporting evidence is limited at this time, the clinical significance of this alteration remains unclear.